The following is an entry in ClinVar:

ClinVar aggregate classification (germline): Conflicting classifications of pathogenicity. Review status: criteria provided, conflicting classifications (1 of 4 stars). 7 submissions from 7 submitters: Uncertain significance (2); Benign (1); Likely benign (3). 1 of the submissions does not count toward it. Last evaluated 2026-10-27.

Conditions:
Hereditary breast ovarian cancer syndrome. Also called: Hereditary breast and ovarian cancer syndrome; Hereditary breast and ovarian cancer; Hereditary breast and ovarian cancer syndrome (HBOC); Hereditary breast and/or ovarian cancer syndrome; Breast and ovarian cancer; BRCA1- and BRCA2-Associated Hereditary Breast and Ovarian Cancer. Identifiers: Orphanet 145, MedGen C0677776, MeSH D061325, MONDO:0003582. Disease mechanism: loss of function.
Hereditary cancer-predisposing syndrome. Also called: Hereditary Cancer Syndrome; Tumor predisposition; Hereditary neoplastic syndrome; Neoplastic Syndromes, Hereditary. Identifiers: Orphanet 140162, MedGen C0027672, MeSH D009386, MONDO:0015356.
Breast-ovarian cancer, familial, susceptibility to, 1 (BROVCA1). Also called: OVARIAN CANCER, SUSCEPTIBILITY TO; BRCA1 Hereditary Breast and Ovarian Cancer. Identifiers: Orphanet 145, MedGen C2676676, MONDO:0011450, OMIM 604370. Disease mechanism: loss of function.
Inherited ovarian cancer (without breast cancer).

Allele frequency attached by ClinVar (database versions not stated): gnomAD exomes below 0.00001 and 0.00002; TOPMed below 0.00001; ExAC 0.00001; gnomAD 0.00001.
gnomAD v4.1: 26 of 1,613,724 alleles (0.0016%); highest among the groups gnomAD compares: Non-Finnish European, 0.0022%; no homozygotes.

Submissions (8):

Cambridge Genomics Laboratory, East Genomic Laboratory Hub, NHS Genomic Medicine Service
Classification: Likely benign for Inherited ovarian cancer (without breast cancer). Last evaluated: 2026-10-27. Review status: criteria provided, single submitter. Criteria: ACGS Best Practice Guidelines for Variant Classification in Rare Disease 2020. Collection method: clinical testing. Allele origin: germline. Affected: yes.
Comment: BS3_Strong,BP5

Labcorp Genetics (formerly Invitae), Labcorp
Classification: Benign for Hereditary breast ovarian cancer syndrome. Last evaluated: 2026-01-05. Review status: criteria provided, single submitter. Criteria: Invitae Variant Classification Sherloc (09022015). Collection method: clinical testing. Allele origin: germline.

Lupski Lab, Baylor-Hopkins CMG, Baylor College of Medicine
Classification: Likely benign for Breast-ovarian cancer, familial, susceptibility to, 1. Last evaluated: 2024-04-12. Review status: criteria provided, single submitter. Criteria: Dawood et al. (medRxiv. 2024). Collection method: curation. Allele origin: germline.
Comment: Each variant was annotated with functional scores from MAVE data which was translated into functional evidence codes. All other evidence codes and combining criteria were adhered to as closely as possible based on the ClinGen VCEP (Variant Curation Expert Panel) gene-specific recommendations. See Supplemental Figure 34 of final paper (Supp Fig. 28 in preprint: doi:10.1101/2024.04.11.24305690) for a table to see which lines of evidence we did not have data for. The ClinGen VCEPs are highly regarded as the gold-standard for gene-specific variant curation and are developed after extensive evaluation of the evidence by clinical and scientific experts for the particular gene to classify genomic variants on a spectrum from pathogenic to benign using the 2015 ACMG/AMP Variant Interpretation Guidelines as a backbone (PMID: 25741868). Reclassification of these VUS variants from gnomAD or All of Us focused only on variants originally prescribed as VUS in ClinVar. To ensure reproducibility, transparency, and increased throughput, all the procedures for annotating variants and assigning evidence codes were codified using Python. All code has been made freely available and is linked in the Code Availability section and all reclassified variants with evidence codes used can be found in Tables S18-19 (preprint: doi:10.1101/2024.04.11.24305690). For the MAVE data, the clinical curation and clinical strength assignment as per the ClinGen recommendations in Brnich et al. (2020) (PMID: 31892348) for or against pathogenicity or benignity of each of these MAVE datasets utilized in this study were previously published in Fayer et al. (2021) (PMID: 34793697).In brief, for BRCA1 variants, if a variant was categorized as FUNC (functional), it was assigned BS3 evidence and no PS3 evidence, whereas if it was categorized as LOF (loss of function), the variant was assigned PS3 evidence and no BS3 evidence. Variants categorized as INT (intermediate) were left unannotated. For the BRCA1 combining criteria, greater than or equal to 1 criteria of strong benign evidence was enough to reclassify the VUS as Likely Benign. This variant GRCh38:17:43051060:T>C was assigned evidence codes ['BS3'] and an overall classification of Likely benign

GeneDx
Classification: Uncertain significance. Last evaluated: 2023-11-21. Review status: criteria provided, single submitter. Criteria: GeneDx Variant Classification Process June 2021. Collection method: clinical testing. Allele origin: germline. Affected: yes.
Comment: Not observed at a significant frequency in large population cohorts (gnomAD); In silico analysis supports that this variant does not alter splicing; Also known as 5451+3A>G and IVS21+3A>G; This variant is associated with the following publications: (PMID: 31483290, 30209399)

Ambry Genetics
Classification: Likely benign for Hereditary cancer-predisposing syndrome. Last evaluated: 2021-01-18. Review status: criteria provided, single submitter. Criteria: Ambry Variant Classification Scheme 2023. Collection method: clinical testing. Allele origin: germline.

Quest Diagnostics Nichols Institute San Juan Capistrano
Classification: Uncertain significance. Last evaluated: 2020-07-19. Review status: criteria provided, single submitter. Criteria: Quest Diagnostics criteria. Collection method: clinical testing. Allele origin: unknown.

Counsyl
Classification: Uncertain significance for Breast-ovarian cancer, familial, susceptibility to, 1. Last evaluated: 2017-12-29. Review status: no assertion criteria provided. Collection method: clinical testing. Allele origin: unknown. Not counted in ClinVar's aggregate classification.

Brotman Baty Institute, University of Washington
No classification provided (evidence only). Condition: Breast-ovarian cancer, familial 1. Review status: no classification provided. Collection method: in vitro. Allele origin: not applicable. Functional consequence: functionally_normal. Not counted in ClinVar's aggregate classification.
ClinVar note: "not provided" was previously submitted as the classification for the variant. However, the classification appeared to be based only on an observation of functional data so it was converted to no classification on 2025-07-30.

Literature cited by the submitters: PubMed 39142283 (cited by Lupski Lab, Baylor-Hopkins CMG, Baylor College of Medicine); PubMed 34793697 (cited by Lupski Lab, Baylor-Hopkins CMG, Baylor College of Medicine); DOI 10.1101/2024.04.11.24305690 (cited by Lupski Lab, Baylor-Hopkins CMG, Baylor College of Medicine); PubMed 31483290 (cited by Quest Diagnostics Nichols Institute San Juan Capistrano).

NM_007294.4(BRCA1):c.5332+3A>G

Gene: BRCA1 (BRCA1 DNA repair associated; minus strand). Cytogenetic location: 17q21.31.
Variant type: single nucleotide variant.
Coding change: c.5332+3A>G on transcript NM_007294.4 (MANE Select); 3 bases into the intron after coding-DNA position 5332, A replaced by G.
Molecular consequence: intron variant.
Genome position (GRCh38, 1-based): chr17:43,051,060, T>C on the plus strand (A>G on the coding strand, the complement: BRCA1 is on the minus strand). VCF-style: chr17-43051060-T-C. GRCh37 (hg19) VCF-style: chr17-41203077-T-C.
Other names: c.1879+3A>G (NM_001408458.1, NM_001408461.1, NM_001408464.1 and 7 more transcripts); c.4441+3A>G (NM_001407967.1); c.4951+3A>G (NM_001407959.1); c.5065+3A>G (NM_001407931.1, NM_001407932.1, NM_001407928.1 and 4 more transcripts); c.5188+3A>G (NM_001407747.1, NM_001407745.1, NM_001407737.1 and 21 more transcripts); c.4948+3A>G (NM_001407962.1, NM_001407960.1); c.1519+3A>G (NM_001408512.1); c.1642+3A>G (NM_001408510.1); and 74 more.
Identifiers: ClinVar variation 240820 (VCV000240820.26), dbSNP rs766614917, ClinGen allele CA054542.
Genomic context (GRCh38, chr17:43,051,060, plus strand): 5'-TAATACTCCACTATGTAAGACAAAGGCTGGTGCTGGAACTCTGGGGTTCTCCCAGGCTCT[T>C]ACCTGTGGGCATGTTGGTGAAGGGCCCATAGCAACAGATTTCTAGCCCCCTGAAGATCTG-3'